The following is an entry in ClinVar:

ClinVar aggregate classification (germline): Uncertain significance (1 of 4 stars; one submission).

Submission:

GeneDx
Classification: Uncertain significance. Last evaluated: 2025-03-06. Review status: criteria provided, single submitter. Criteria: GeneDx Variant Classification Process June 2021. Collection method: clinical testing. Allele origin: germline. Affected: yes.
Comment: Not observed at significant frequency in large population cohorts (gnomAD); In silico analysis indicates that this missense variant does not alter protein structure/function; Has not been previously published as pathogenic or benign to our knowledge

NM_001368397.1(FRMPD4):c.3655G>A (p.Asp1219Asn)

Gene: FRMPD4 (FERM and PDZ domain containing 4; plus strand). Cytogenetic location: Xp22.2.
Variant type: single nucleotide variant.
Coding change: c.3655G>A on transcript NM_001368397.1 (MANE Select); coding-DNA position 3655, G replaced by A.
Protein change: p.Asp1219Asn; replaces aspartic acid 1219 with asparagine.
Molecular consequence: missense variant.
Genome position (GRCh38, 1-based): chrX:12,718,481, G>A. VCF-style: chrX-12718481-G-A. GRCh37 (hg19) VCF-style: chrX-12736600-G-A.
Other names: c.3766G>A, p.Asp1256Asn (NM_001368395.3, NM_001368398.3); c.3661G>A, p.Asp1221Asn (NM_001368396.3); c.3646G>A, p.Asp1216Asn (NM_001368399.3); c.3535G>A, p.Asp1179Asn (NM_001368400.3); c.3631G>A, p.Asp1211Asn (NM_001368401.1, NM_001368402.3); c.3655G>A, p.Asp1219Asn (NM_014728.3); short protein forms D1179N, D1211N, D1216N, D1219N, D1221N, D1256N.
Identifiers: ClinVar variation 4083078 (VCV004083078.1).